The following is an entry in ClinVar:

NM_001079872.2(CUL4B):c.2506A>G (p.Ile836Val)

Gene: CUL4B (cullin 4B; minus strand). Cytogenetic location: Xq24.
Variant type: single nucleotide variant.
Coding change: c.2506A>G on transcript NM_001079872.2 (MANE Select); coding-DNA position 2506, A replaced by G.
Protein change: p.Ile836Val; replaces isoleucine 836 with valine.
Molecular consequence: missense variant.
Genome position (GRCh38, 1-based): chrX:120,530,188, T>C on the plus strand (A>G on the coding strand, the complement: CUL4B is on the minus strand). VCF-style: chrX-120530188-T-C. GRCh37 (hg19) VCF-style: chrX-119664043-T-C.
Other names: c.2521A>G, p.Ile841Val (NM_001330624.2); c.1972A>G, p.Ile658Val (NM_001369145.1); c.2560A>G, p.Ile854Val (NM_003588.4); c.2560A>G (NM_003588.3); short protein forms I658V, I841V, I854V, I836V.
Identifiers: ClinVar variation 2157188 (VCV002157188.5), dbSNP rs1334613409, ClinGen allele CA414192954.

ClinVar aggregate classification (germline): Uncertain significance. Review status: criteria provided, multiple submitters, no conflicts (2 of 4 stars). 2 submissions from 2 submitters: Uncertain significance (2). Last evaluated 2025-12-01.

Conditions:
X-linked intellectual disability Cabezas type (MRXSC). Also called: CABEZAS SYNDROME; MENTAL RETARDATION, X-LINKED, SYNDROMIC 15; Intellectual developmental disorder, X-linked syndromic, Cabezas type. Identifiers: Orphanet 85289, Orphanet 85293, MedGen C1845861, MONDO:0010306, OMIM 300354.
CUL4B-related disorder. Also called: CUL4B-related condition.

Allele frequency attached by ClinVar (database versions not stated): TOPMed below 0.00001; gnomAD 0.00001.
gnomAD v4.1: 4 of 1,206,097 alleles (0.00033%); highest among the groups gnomAD compares: South Asian, 0.0018%; no homozygotes.

Submissions (2):

PreventionGenetics, part of Exact Sciences
Classification: Uncertain significance for CUL4B-related condition. Last evaluated: 2025-12-01. Review status: criteria provided, single submitter. Criteria: ACMG Guidelines, 2015. Collection method: clinical testing. Allele origin: germline.
Comment: The CUL4B c.2560A>G variant is predicted to result in the amino acid substitution p.Ile854Val. To our knowledge, this variant has not been reported in the literature. This variant is reported in 0.0052% of alleles in individuals of South Asian descent in gnomAD. At this time, the clinical significance of this variant is uncertain due to the absence of conclusive functional and genetic evidence.

Labcorp Genetics (formerly Invitae), Labcorp
Classification: Uncertain significance for X-linked intellectual disability Cabezas type. Last evaluated: 2022-10-17. Review status: criteria provided, single submitter. Criteria: Invitae Variant Classification Sherloc (09022015). Collection method: clinical testing. Allele origin: germline.
Comment: In summary, the available evidence is currently insufficient to determine the role of this variant in disease. Therefore, it has been classified as a Variant of Uncertain Significance. Advanced modeling of protein sequence and biophysical properties (such as structural, functional, and spatial information, amino acid conservation, physicochemical variation, residue mobility, and thermodynamic stability) performed at Invitae indicates that this missense variant is not expected to disrupt CUL4B protein function. This variant has not been reported in the literature in individuals affected with CUL4B-related conditions. The frequency data for this variant in the population databases is considered unreliable, as metrics indicate poor data quality at this position in the gnomAD database. This sequence change replaces isoleucine, which is neutral and non-polar, with valine, which is neutral and non-polar, at codon 854 of the CUL4B protein (p.Ile854Val).